The following is an entry in ClinVar:

NM_000255.4(MMUT):c.1333-8C>T

Gene: MMUT (methylmalonyl-CoA mutase; minus strand). Cytogenetic location: 6p12.3.
Variant type: single nucleotide variant.
Coding change: c.1333-8C>T on transcript NM_000255.4 (MANE Select); 8 bases into the intron before coding-DNA position 1333, C replaced by T.
Molecular consequence: intron variant.
Genome position (GRCh38, 1-based): chr6:49,448,935, G>A on the plus strand (C>T on the coding strand, the complement: MMUT is on the minus strand). VCF-style: chr6-49448935-G-A. GRCh37 (hg19) VCF-style: chr6-49416648-G-A.
Identifiers: ClinVar variation 357260 (VCV000357260.18), dbSNP rs199555550, ClinGen allele CA3846900.
Genomic context (GRCh38, chr6:49,448,935, plus strand): 5'-CCCTCAGCTACAGCTTTGGCCATTCCACCCATTTCTTCAATTTCATTAATGAGCTAAAAA[G>A]AAAAACATTAACAAAACTAAAAGAGAATATTAAAAATGTGTGTAAACTATATAAATTTGT-3'

ClinVar aggregate classification (germline): Conflicting classifications of pathogenicity. Review status: criteria provided, conflicting classifications (1 of 4 stars). 6 submissions from 6 submitters: Uncertain significance (1); Benign (1); Likely benign (3). 1 of the submissions does not count toward it. Last evaluated 2026-06-11.

Conditions:
Methylmalonic aciduria due to complete methylmalonyl-CoA mutase deficiency.
Methylmalonic aciduria due to methylmalonyl-CoA mutase deficiency (MAMM). Also called: Methylmalonic aciduria, mut type. Identifiers: Orphanet 27, MedGen C1855114, MONDO:0009612, OMIM 251000.
MMUT-related disorder. Also called: MMUT-related condition.

Allele frequency attached by ClinVar (database versions not stated): gnomAD 0.00017 and 0.00034; TOPMed 0.00042; gnomAD exomes 0.00052 and 0.00058; ExAC 0.00075; 1000 Genomes Project 30x 0.00125; 1000 Genomes Project 0.00160.
gnomAD v4.1: 787 of 1,568,130 alleles (0.05%); highest among the groups gnomAD compares: East Asian, 1.5%; 15 homozygotes.

Submissions (6):

PreventionGenetics, part of Exact Sciences
Classification: Likely benign for MMUT-related condition. Last evaluated: 2026-06-11. Review status: criteria provided, single submitter. Criteria: ACMG Guidelines, 2015. Collection method: clinical testing. Allele origin: germline.
Comment: This variant is classified as likely benign based on ACMG/AMP sequence variant interpretation guidelines (Richards et al. 2015 PMID: 25741868, with internal and published modifications).

Labcorp Genetics (formerly Invitae), Labcorp
Classification: Benign. Last evaluated: 2026-02-04. Review status: criteria provided, single submitter. Criteria: Invitae Variant Classification Sherloc (09022015). Collection method: clinical testing. Allele origin: germline.

Blueprint Genetics
Classification: Likely benign. Last evaluated: 2024-11-26. Review status: criteria provided, single submitter. Criteria: ACMG Guidelines, 2015. Collection method: clinical testing. Allele origin: germline.

GeneDx
Classification: Likely benign. Last evaluated: 2018-04-09. Review status: criteria provided, single submitter. Criteria: GeneDx Variant Classification (06012015). Collection method: clinical testing. Allele origin: germline. Affected: yes.
Comment: This variant is considered likely benign or benign based on one or more of the following criteria: it is a conservative change, it occurs at a poorly conserved position in the protein, it is predicted to be benign by multiple in silico algorithms, and/or has population frequency not consistent with disease.

Illumina Laboratory Services, Illumina
Classification: Uncertain significance for Methylmalonic aciduria due to methylmalonyl-CoA mutase deficiency. Last evaluated: 2018-01-13. Review status: criteria provided, single submitter. Criteria: ICSL Variant Classification Criteria 13 December 2019. Collection method: clinical testing. Allele origin: germline.

Natera, Inc.
Classification: Benign for Methylmalonic aciduria due to complete methylmalonyl-CoA mutase deficiency. Last evaluated: 2019-11-11. Review status: no assertion criteria provided. Collection method: clinical testing. Allele origin: germline. Not counted in ClinVar's aggregate classification.